The following is an entry in ClinVar:

NM_000245.4(MET):c.3410C>T (p.Pro1137Leu)

Gene: MET (MET proto-oncogene, receptor tyrosine kinase; plus strand). Cytogenetic location: 7q31.2.
Variant type: single nucleotide variant.
Coding change: c.3410C>T on transcript NM_000245.4 (MANE Select); coding-DNA position 3410, C replaced by T.
Protein change: p.Pro1137Leu; replaces proline 1137 with leucine.
Molecular consequence: missense variant.
Genome position (GRCh38, 1-based): chr7:116,778,845, C>T. VCF-style: chr7-116778845-C-T. GRCh37 (hg19) VCF-style: chr7-116418899-C-T.
Other names: c.3464C>T, p.Pro1155Leu (NM_001127500.3); c.2120C>T, p.Pro707Leu (NM_001324402.2); short protein forms P1137L, P707L, P1155L.
Identifiers: ClinVar variation 1493870 (VCV001493870.8), dbSNP rs2117046293, ClinGen allele CA368990099.

ClinVar aggregate classification (germline): Uncertain significance (1 of 4 stars; one submission).

Conditions:
Renal cell carcinoma. Identifiers: Orphanet 217071, MedGen C0007134, MeSH D002292, MONDO:0005086, HP:0005584.

Submission:

Labcorp Genetics (formerly Invitae), Labcorp
Classification: Uncertain significance for Renal cell carcinoma. Last evaluated: 2020-12-15. Review status: criteria provided, single submitter. Criteria: Invitae Variant Classification Sherloc (09022015). Collection method: clinical testing. Allele origin: germline.
Comment: In summary, the available evidence is currently insufficient to determine the role of this variant in disease. Therefore, it has been classified as a Variant of Uncertain Significance. Algorithms developed to predict the effect of missense changes on protein structure and function are either unavailable or do not agree on the potential impact of this missense change (SIFT: "Deleterious"; PolyPhen-2: "Benign"; Align-GVGD: "Class C65"). This variant has not been reported in the literature in individuals with MET-related conditions. This variant is not present in population databases (ExAC no frequency). This sequence change replaces proline with leucine at codon 1155 of the MET protein (p.Pro1155Leu). The proline residue is highly conserved and there is a moderate physicochemical difference between proline and leucine.